The following is an entry in ClinVar:

ClinVar aggregate classification (germline): Uncertain significance (1 of 4 stars; one submission).

Conditions:
Bloom syndrome (BLM). Also called: Bloom-Torre-Machacek syndrome. Identifiers: Orphanet 125, MedGen C0005859, MONDO:0008876, OMIM 210900.

gnomAD v4.1: 5 of 1,607,654 alleles (0.00031%); highest among the groups gnomAD compares: Non-Finnish European, 0.00026%; no homozygotes.

Submission:

Labcorp Genetics (formerly Invitae), Labcorp
Classification: Uncertain significance for Bloom syndrome. Last evaluated: 2025-07-30. Review status: criteria provided, single submitter. Criteria: Invitae Variant Classification Sherloc (09022015). Collection method: clinical testing. Allele origin: germline.
Comment: This sequence change falls in intron 7 of the BLM gene. It does not directly change the encoded amino acid sequence of the BLM protein. RNA analysis indicates that this variant induces altered splicing and likely results in a shortened protein product. This variant is not present in population databases (gnomAD no frequency). This variant has not been reported in the literature in individuals affected with BLM-related conditions. ClinVar contains an entry for this variant (Variation ID: 2037046). Studies have shown that this variant results in skipping of exon 8, but is expected to preserve the integrity of the reading-frame (internal data). In summary, the available evidence is currently insufficient to determine the role of this variant in disease. Therefore, it has been classified as a Variant of Uncertain Significance.

NM_000057.4(BLM):c.1883-19A>G

Gene: BLM (BLM RecQ like helicase; plus strand). Cytogenetic location: 15q26.1.
Variant type: single nucleotide variant.
Coding change: c.1883-19A>G on transcript NM_000057.4 (MANE Select); 19 bases into the intron before coding-DNA position 1883, A replaced by G.
Molecular consequence: intron variant.
Genome position (GRCh38, 1-based): chr15:90,762,947, A>G. VCF-style: chr15-90762947-A-G. GRCh37 (hg19) VCF-style: chr15-91306177-A-G.
Other names: c.1883-19A>G (NM_001287246.2, NM_001287247.2); c.758-19A>G (NM_001287248.2).
Identifiers: ClinVar variation 2037046 (VCV002037046.2), dbSNP rs200507632, ClinGen allele CA717018596.